The following is an entry in ClinVar:

NM_000051.4(ATM):c.6786_6791del (p.Arg2263_Thr2264del)

Genes: ATM (ATM serine/threonine kinase; plus strand), C11orf65 (chromosome 11 open reading frame 65; minus strand). Cytogenetic location: 11q22.3.
Variant type: Deletion.
Coding change: c.6786_6791del on transcript NM_000051.4 (MANE Select); coding-DNA positions 6786 to 6791, 6 bases deleted (CAGAAC; older notation c.6786_6791delCAGAAC).
Protein change: p.Arg2263_Thr2264del.
Molecular consequence: inframe deletion. On other transcripts: intron variant (2).
Genome position (GRCh38, 1-based): chr11:108,325,523-108,325,528, CAGAAC deleted; deleting any 6 consecutive bases within chr11:108,325,522-108,325,528 gives the same sequence; the c. name uses the placement nearest the transcript's 3' end. VCF-style (leftmost placement, unchanged base first): chr11-108325521-GCCAGAA-G. GRCh37 (hg19) VCF-style: chr11-108196248-GCCAGAA-G.
Other names: c.6786_6791del, p.Arg2263_Thr2264del (NM_001351834.2); c.641-16456_641-16451del (NM_001330368.2); c.*38+9693_*38+9698del (NM_001351110.2).
Identifiers: ClinVar variation 565937 (VCV000565937.11), dbSNP rs1565519112, ClinGen allele CA891842653.
Genomic context (GRCh38, chr11:108,325,521, plus strand): 5'-TCACAAAGAGAATGTATTAAGGACATTCTCACCAAACACCTTGTAGAACTCTCTATACTG[GCCAGAA>G]CTTTCAAGAACACTCAGGTAAATACAATTTAAAACTATGTCATCTTACCTCTTGACTTTC-3'

ClinVar aggregate classification (germline): Uncertain significance. Review status: criteria provided, multiple submitters, no conflicts (2 of 4 stars). 3 submissions from 3 submitters: Uncertain significance (3). Last evaluated 2024-12-26.

Conditions:
Hereditary cancer-predisposing syndrome. Also called: Hereditary Cancer Syndrome; Neoplastic Syndromes, Hereditary; Tumor predisposition; Hereditary neoplastic syndrome. Identifiers: Orphanet 140162, MedGen C0027672, MeSH D009386, MONDO:0015356.
Ataxia-telangiectasia syndrome (AT). Also called: Cerebello-oculocutaneous telangiectasia; Immunodeficiency with ataxia telangiectasia; Ataxia-telangiectasia, complementation group E; Ataxia-telangiectasia, complementation group D; AT, COMPLEMENTATION GROUP C; ATAXIA-TELANGIECTASIA, COMPLEMENTATION GROUP A. Identifiers: Orphanet 100, MedGen C0004135, MONDO:0008840, OMIM 208900.

Submissions (3):

Ambry Genetics
Classification: Uncertain significance for Hereditary cancer-predisposing syndrome. Last evaluated: 2024-12-26. Review status: criteria provided, single submitter. Criteria: Ambry Variant Classification Scheme 2023. Collection method: clinical testing. Allele origin: germline.
Comment: The c.6786_6791delCAGAAC variant (also known as p.R2263_T2264del) is located in coding exon 45 of the ATM gene. This variant results from an in-frame CAGAAC deletion at nucleotide positions 6786 to 6791. This results in the in-frame deletion of arginine and threonine residues at codons 2263 to 2264. These amino acid positions are well conserved in available vertebrate species. In addition, this alteration is predicted to be deleterious by in silico analysis (Choi Y et al. PLoS ONE. 2012; 7(10):e46688). Since supporting evidence is limited at this time, the clinical significance of this alteration remains unclear.

Color Diagnostics, LLC DBA Color Health
Classification: Uncertain significance for Hereditary cancer-predisposing syndrome. Last evaluated: 2024-06-17. Review status: criteria provided, single submitter. Criteria: ACMG Guidelines, 2015. Collection method: clinical testing. Allele origin: germline.
Comment: This variant causes an in-frame deletion of two amino acids in exon 46 of the ATM protein. To our knowledge, functional studies have not been reported for this variant. This variant has not been reported in individuals affected with ATM-related disorders in the literature. This variant has not been identified in the general population by the Genome Aggregation Database (gnomAD). The available evidence is insufficient to determine the role of this variant in disease conclusively. Therefore, this variant is classified as a Variant of Uncertain Significance.

Labcorp Genetics (formerly Invitae), Labcorp
Classification: Uncertain significance for Ataxia-telangiectasia syndrome. Last evaluated: 2018-06-23. Review status: criteria provided, single submitter. Criteria: Invitae Variant Classification Sherloc (09022015). Collection method: clinical testing. Allele origin: germline.
Comment: This variant, c.6786_6791delCAGAAC, results in the deletion of 2 amino acids of the ATM protein (p.Arg2263_Thr2264del), but otherwise preserves the integrity of the reading frame. This variant is not present in population databases (ExAC no frequency). This variant has not been reported in the literature in individuals with ATM-related disease. Experimental studies and prediction algorithms are not available for this variant, and the functional significance of the deleted amino acids is currently unknown. In summary, the available evidence is currently insufficient to determine the role of this variant in disease. Therefore, it has been classified as a Variant of Uncertain Significance.